The following is an entry in ClinVar:

ClinVar aggregate classification (germline): Uncertain significance (1 of 4 stars; one submission).

Conditions:
Isolated microphthalmia 5. Also called: Posterior Microphthalmia with Retinitis Pigmentosa, Foveoschisis, and Optic Disc Drusen. Identifiers: Orphanet 251279, MedGen C1970236, MONDO:0012605, OMIM 611040.

Allele frequency attached by ClinVar (database versions not stated): TOPMed 0.00001.
gnomAD v4.1: 16 of 1,603,112 alleles (0.001%); highest among the groups gnomAD compares: Non-Finnish European, 0.0014%; no homozygotes.

Submission:

Labcorp Genetics (formerly Invitae), Labcorp
Classification: Uncertain significance for Isolated microphthalmia 5. Last evaluated: 2022-10-18. Review status: criteria provided, single submitter. Criteria: Invitae Variant Classification Sherloc (09022015). Collection method: clinical testing. Allele origin: germline.
Comment: Advanced modeling of protein sequence and biophysical properties (such as structural, functional, and spatial information, amino acid conservation, physicochemical variation, residue mobility, and thermodynamic stability) performed at Invitae indicates that this missense variant is not expected to disrupt MFRP protein function. In summary, the available evidence is currently insufficient to determine the role of this variant in disease. Therefore, it has been classified as a Variant of Uncertain Significance. ClinVar contains an entry for this variant (Variation ID: 1007066). This variant has not been reported in the literature in individuals affected with MFRP-related conditions. This variant is present in population databases (no rsID available, gnomAD 0.001%). This sequence change replaces arginine, which is basic and polar, with glycine, which is neutral and non-polar, at codon 64 of the MFRP protein (p.Arg64Gly).

NM_031433.4(MFRP):c.190C>G (p.Arg64Gly)

Genes: C1QTNF5 (C1q and TNF related 5; minus strand), MFRP (membrane frizzled-related protein; minus strand). Cytogenetic location: 11q23.3.
Variant type: single nucleotide variant.
Coding change: c.190C>G on transcript NM_031433.4 (MANE Select); coding-DNA position 190, C replaced by G.
Protein change: p.Arg64Gly; replaces arginine 64 with glycine.
Molecular consequence: missense variant. On other transcripts: 5 prime UTR variant (1).
Genome position (GRCh38, 1-based): chr11:119,346,127, G>C on the plus strand (C>G on the coding strand, the complement: MFRP is on the minus strand). VCF-style: chr11-119346127-G-C. GRCh37 (hg19) VCF-style: chr11-119216837-G-C.
Other names: c.-2447C>G (NM_015645.5); short protein forms R64G.
Identifiers: ClinVar variation 1007066 (VCV001007066.9), dbSNP rs147490836, ClinGen allele CA229678421.